The following is an entry in ClinVar:

NM_001122681.2(SH3BP2):c.167G>A (p.Arg56His)

Gene: SH3BP2 (SH3 domain binding protein 2; plus strand). Cytogenetic location: 4p16.3.
Variant type: single nucleotide variant.
Coding change: c.167G>A on transcript NM_001122681.2 (MANE Select); coding-DNA position 167, G replaced by A.
Protein change: p.Arg56His; replaces arginine 56 with histidine.
Molecular consequence: missense variant.
Genome position (GRCh38, 1-based): chr4:2,822,965, G>A. VCF-style: chr4-2822965-G-A. GRCh37 (hg19) VCF-style: chr4-2824692-G-A.
Other names: c.251G>A, p.Arg84His (LRG_1334t2, NM_001145855.2); c.167G>A, p.Arg56His (LRG_1334t1, NM_003023.4); c.338G>A, p.Arg113His (NM_001145856.2); short protein forms R56H, R84H, R113H.
Identifiers: ClinVar variation 567206 (VCV000567206.8), dbSNP rs779608979, ClinGen allele CA2818929.

ClinVar aggregate classification (germline): Uncertain significance (1 of 4 stars; one submission).

Conditions:
Fibrous dysplasia of jaw (CRBM). Also called: Cherubism. Identifiers: Orphanet 184, MedGen C0008029, MONDO:0007315, OMIM 118400.

Allele frequency attached by ClinVar (database versions not stated): ExAC 0.00001; gnomAD 0.00003.
gnomAD v4.1: 6 of 1,614,054 alleles (0.00037%); highest among the groups gnomAD compares: Admixed American, 0.0017%; no homozygotes.

Submission:

Labcorp Genetics (formerly Invitae), Labcorp
Classification: Uncertain significance for Fibrous dysplasia of jaw. Last evaluated: 2018-04-15. Review status: criteria provided, single submitter. Criteria: Invitae Variant Classification Sherloc (09022015). Collection method: clinical testing. Allele origin: germline.
Comment: Algorithms developed to predict the effect of missense changes on protein structure and function do not agree on the potential impact of this missense change (SIFT: "Tolerated"; PolyPhen-2: "Possibly Damaging"; Align-GVGD: "Class C0"). This variant has not been reported in the literature in individuals with SH3BP2-related disease. This variant is present in population databases (rs779608979, ExAC 0.009%). This sequence change replaces arginine with histidine at codon 56 of the SH3BP2 protein (p.Arg56His). The arginine residue is moderately conserved and there is a small physicochemical difference between arginine and histidine. In summary, the available evidence is currently insufficient to determine the role of this variant in disease. Therefore, it has been classified as a Variant of Uncertain Significance.